The following is an entry in ClinVar:

NM_006361.6(HOXB13):c.360C>T (p.Tyr120=)

Gene: HOXB13 (homeobox B13; minus strand). Cytogenetic location: 17q21.32.
Variant type: single nucleotide variant.
Coding change: c.360C>T on transcript NM_006361.6 (MANE Select); coding-DNA position 360, C replaced by T.
Protein change: p.Tyr120=; no amino-acid change (tyrosine 120 retained).
Molecular consequence: synonymous variant.
Genome position (GRCh38, 1-based): chr17:48,728,234, G>A on the plus strand (C>T on the coding strand, the complement: HOXB13 is on the minus strand). VCF-style: chr17-48728234-G-A. GRCh37 (hg19) VCF-style: chr17-46805596-G-A.
Identifiers: ClinVar variation 514907 (VCV000514907.17), dbSNP rs777265653, ClinGen allele CA8634000.

ClinVar aggregate classification (germline): Benign/Likely benign. Review status: criteria provided, multiple submitters, no conflicts (2 of 4 stars). 4 submissions from 4 submitters: Benign (1); Likely benign (3). Last evaluated 2025-12-24.

Conditions:
Prostate cancer, hereditary, 9 (HPC9). Identifiers: Orphanet 1331, MedGen C1970250, MONDO:0012597, OMIM 610997.
Hereditary cancer-predisposing syndrome. Also called: Hereditary Cancer Syndrome; Neoplastic Syndromes, Hereditary; Tumor predisposition; Hereditary neoplastic syndrome. Identifiers: Orphanet 140162, MedGen C0027672, MeSH D009386, MONDO:0015356.

Allele frequency attached by ClinVar (database versions not stated): gnomAD 0.00001 and 0.00002; TOPMed 0.00001; gnomAD exomes 0.00003 and 0.00006; ExAC 0.00007.

Submissions (4):

Labcorp Genetics (formerly Invitae), Labcorp
Classification: Likely benign. Last evaluated: 2025-12-24. Review status: criteria provided, single submitter. Criteria: Invitae Variant Classification Sherloc (09022015). Collection method: clinical testing. Allele origin: germline.

Myriad Genetics, Inc.
Classification: Benign for Prostate cancer, hereditary, 9. Last evaluated: 2024-10-29. Review status: criteria provided, single submitter. Criteria: Myriad Autosomal Dominant, Autosomal Recessive and X-Linked Classification Criteria (2023). Collection method: clinical testing. Allele origin: unknown.
Comment: This variant is considered benign. This variant is a silent/synonymous amino acid change and it is not expected to impact splicing.

GeneDx
Classification: Likely benign. Last evaluated: 2019-03-19. Review status: criteria provided, single submitter. Criteria: GeneDx Variant Classification Process June 2021. Collection method: clinical testing. Allele origin: germline. Affected: yes.

Ambry Genetics
Classification: Likely benign for Hereditary cancer-predisposing syndrome. Last evaluated: 2019-01-11. Review status: criteria provided, single submitter. Criteria: Ambry Variant Classification Scheme 2023. Collection method: clinical testing. Allele origin: germline.